The following is an entry in ClinVar:

ClinVar aggregate classification (germline): Uncertain significance. Review status: criteria provided, multiple submitters, no conflicts (2 of 4 stars). 3 submissions from 3 submitters: Uncertain significance (3). Last evaluated 2025-12-11.

Conditions:
Birt-Hogg-Dube syndrome. Also called: Birt Hogg Dubé syndrome. Identifiers: Orphanet 122, MedGen C0346010, MONDO:0800444.
Hereditary cancer-predisposing syndrome. Also called: Neoplastic Syndromes, Hereditary; Hereditary Cancer Syndrome; Hereditary neoplastic syndrome; Tumor predisposition. Identifiers: Orphanet 140162, MedGen C0027672, MeSH D009386, MONDO:0015356.

Allele frequency attached by ClinVar (database versions not stated): gnomAD exomes below 0.00001; TOPMed below 0.00001; gnomAD 0.00001.
gnomAD v4.1: 2 of 1,613,608 alleles (0.00012%); highest among the groups gnomAD compares: Non-Finnish European, 0.00017%; no homozygotes.

Submissions (3):

Ambry Genetics
Classification: Uncertain significance for Hereditary cancer-predisposing syndrome. Last evaluated: 2025-12-11. Review status: criteria provided, single submitter. Criteria: Ambry Variant Classification Scheme 2023. Collection method: clinical testing. Allele origin: germline.
Comment: The p.T174S variant (also known as c.520A>T), located in coding exon 3 of the FLCN gene, results from an A to T substitution at nucleotide position 520. The threonine at codon 174 is replaced by serine, an amino acid with similar properties. This amino acid position is not well conserved in available vertebrate species. In addition, this alteration is predicted to be tolerated by in silico analysis. Based on the available evidence, the clinical significance of this variant remains unclear.

Labcorp Genetics (formerly Invitae), Labcorp
Classification: Uncertain significance for Birt-Hogg-Dube syndrome. Last evaluated: 2024-10-08. Review status: criteria provided, single submitter. Criteria: Invitae Variant Classification Sherloc (09022015). Collection method: clinical testing. Allele origin: germline.
Comment: This sequence change replaces threonine, which is neutral and polar, with serine, which is neutral and polar, at codon 174 of the FLCN protein (p.Thr174Ser). This variant is not present in population databases (gnomAD no frequency). This variant has not been reported in the literature in individuals affected with FLCN-related conditions. ClinVar contains an entry for this variant (Variation ID: 848988). Invitae Evidence Modeling of protein sequence and biophysical properties (such as structural, functional, and spatial information, amino acid conservation, physicochemical variation, residue mobility, and thermodynamic stability) indicates that this missense variant is not expected to disrupt FLCN protein function with a negative predictive value of 80%. In summary, the available evidence is currently insufficient to determine the role of this variant in disease. Therefore, it has been classified as a Variant of Uncertain Significance.

Baylor Genetics
Classification: Uncertain significance for Birt-Hogg-Dube syndrome 1. Last evaluated: 2023-05-22. Review status: criteria provided, single submitter. Criteria: ACMG Guidelines, 2015. Collection method: clinical testing. Allele origin: unknown.

NM_144997.7(FLCN):c.520A>T (p.Thr174Ser)

Gene: FLCN (folliculin; minus strand). Cytogenetic location: 17p11.2.
Variant type: single nucleotide variant.
Coding change: c.520A>T on transcript NM_144997.7 (MANE Select); coding-DNA position 520, A replaced by T.
Protein change: p.Thr174Ser; replaces threonine 174 with serine.
Molecular consequence: missense variant.
Genome position (GRCh38, 1-based): chr17:17,224,020, T>A on the plus strand (A>T on the coding strand, the complement: FLCN is on the minus strand). VCF-style: chr17-17224020-T-A. GRCh37 (hg19) VCF-style: chr17-17127334-T-A.
Other names: c.574A>T, p.Thr192Ser (NM_001353229.2); c.520A>T, p.Thr174Ser (NM_001353230.2, NM_001353231.2, NM_144606.7); short protein forms T174S, T192S.
Identifiers: ClinVar variation 848988 (VCV000848988.11), dbSNP rs2047176361, ClinGen allele CA398534373.